The following is an entry in ClinVar:

NM_024642.5(GALNT12):c.1459-8A>G

Gene: GALNT12 (polypeptide N-acetylgalactosaminyltransferase 12; plus strand). Cytogenetic location: 9q22.33.
Variant type: single nucleotide variant.
Coding change: c.1459-8A>G on transcript NM_024642.5 (MANE Select); 8 bases into the intron before coding-DNA position 1459, A replaced by G.
Molecular consequence: intron variant.
Genome position (GRCh38, 1-based): chr9:98,845,969, A>G. VCF-style: chr9-98845969-A-G. GRCh37 (hg19) VCF-style: chr9-101608251-A-G.
Identifiers: ClinVar variation 1654954 (VCV001654954.9), dbSNP rs1836403163, ClinGen allele CA1867126298.
Genomic context (GRCh38, chr9:98,845,969, plus strand): 5'-CCAGCGATCTTTCCTCTTCCCACATCAGTGGAAAATGTTGTGTTACATGTTGGCTGCCCC[A>G]TTTTTAGTTTTTCGAGTACACGTCCCAGAAAGAAATACGCTATAACACCCACCAGCCTGA-3'

ClinVar aggregate classification (germline): Likely benign. Review status: criteria provided, multiple submitters, no conflicts (2 of 4 stars). 2 submissions from 2 submitters: Likely benign (2). Last evaluated 2026-04-22.

Conditions:
Colorectal cancer, susceptibility to, 1. Also called: COLORECTAL ADENOMA AND CANCER, SUSCEPTIBILITY TO; COLORECTAL CANCER, SUSCEPTIBILITY TO, ON CHROMOSOME 9. Identifiers: MedGen C1837315, MONDO:0012132, OMIM 608812.

Submissions (2):

Myriad Genetics, Inc.
Classification: Likely benign for Colorectal cancer, susceptibility to, 1. Last evaluated: 2026-04-22. Review status: criteria provided, single submitter. Criteria: Myriad Autosomal Dominant, Autosomal Recessive and X-Linked Classification Criteria (2023). Collection method: clinical testing. Allele origin: unknown.
Comment: This variant is considered likely benign. This variant is intronic and is not expected to impact mRNA splicing.

Labcorp Genetics (formerly Invitae), Labcorp
Classification: Likely benign. Last evaluated: 2020-11-25. Review status: criteria provided, single submitter. Criteria: Invitae Variant Classification Sherloc (09022015). Collection method: clinical testing. Allele origin: germline.